The following is an entry in ClinVar:

NM_001194998.2(CEP152):c.4857T>C (p.Asp1619=)

Gene: CEP152 (centrosomal protein 152; minus strand). Cytogenetic location: 15q21.1.
Variant type: single nucleotide variant.
Coding change: c.4857T>C on transcript NM_001194998.2 (MANE Select); coding-DNA position 4857, T replaced by C.
Protein change: p.Asp1619=; no amino-acid change (aspartic acid 1619 retained).
Molecular consequence: synonymous variant.
Genome position (GRCh38, 1-based): chr15:48,738,525, A>G on the plus strand (T>C on the coding strand, the complement: CEP152 is on the minus strand). VCF-style: chr15-48738525-A-G. GRCh37 (hg19) VCF-style: chr15-49030722-A-G.
Other names: c.4689T>C, p.Asp1563= (NM_014985.4); c.4857T>C (NM_001194998.1).
Identifiers: ClinVar variation 158267 (VCV000158267.22), dbSNP rs74986073, ClinGen allele CA171734.

ClinVar aggregate classification (germline): Benign/Likely benign. Review status: criteria provided, multiple submitters, no conflicts (2 of 4 stars). 7 submissions from 6 submitters: Benign (3); Likely benign (3). 1 of the submissions does not count toward it. Last evaluated 2026-01-26.

Conditions:
CEP152-related disorder. Also called: CEP152-related disorders; CEP152-related condition. Identifiers: MedGen CN239248.
Microcephaly 9, primary, autosomal recessive. Identifiers: Orphanet 2512, MedGen C3553886, MONDO:0013923, OMIM 614852.
Seckel syndrome 5 (SCKL5). Identifiers: Orphanet 808, MedGen C3151187, MONDO:0013443, OMIM 613823.

Allele frequency attached by ClinVar (database versions not stated): gnomAD exomes 0.00142; ExAC 0.00182; ESP Exome Variant Server 0.00570; gnomAD 0.00615 and 0.00651; TOPMed 0.00694; 1000 Genomes Project 0.00879; 1000 Genomes Project 30x 0.00937.
gnomAD v4.1: 1,832 of 1,614,192 alleles (0.11%); highest among the groups gnomAD compares: African/African-American, 2.2%; 17 homozygotes.

Submissions (7):

Labcorp Genetics (formerly Invitae), Labcorp
Classification: Benign. Last evaluated: 2026-01-26. Review status: criteria provided, single submitter. Criteria: Invitae Variant Classification Sherloc (09022015). Collection method: clinical testing. Allele origin: germline.

Blueprint Genetics
Classification: Likely benign. Last evaluated: 2024-11-25. Review status: criteria provided, single submitter. Criteria: ACMG Guidelines, 2015. Collection method: clinical testing. Allele origin: germline.

GeneDx
Classification: Likely benign. Last evaluated: 2021-04-19. Review status: criteria provided, single submitter. Criteria: GeneDx Variant Classification Process June 2021. Collection method: clinical testing. Allele origin: germline. Affected: yes.

Illumina Laboratory Services, Illumina
Classification: Likely benign for Microcephaly 9, primary, autosomal recessive. Last evaluated: 2018-01-12. Review status: criteria provided, single submitter. Criteria: ICSL Variant Classification Criteria 13 December 2019. Collection method: clinical testing. Allele origin: germline.
Comment: This variant was observed in the ICSL laboratory as part of a predisposition screen in an ostensibly healthy population. It had not been previously curated by ICSL or reported in the Human Gene Mutation Database (HGMD: prior to June 1st, 2018), and was therefore a candidate for classification through an automated scoring system. Utilizing variant allele frequency, disease prevalence and penetrance estimates, and inheritance mode, an automated score was calculated to assess if this variant is too frequent to cause the disease. Based on the score and internal cut-off values, a variant classified as likely benign is not then subjected to further curation. The score for this variant resulted in a classification of likely benign for this disease.

Illumina Laboratory Services, Illumina
Classification: Benign for Seckel syndrome 5. Last evaluated: 2018-01-12. Review status: criteria provided, single submitter. Criteria: ICSL Variant Classification Criteria 13 December 2019. Collection method: clinical testing. Allele origin: germline.
Comment: This variant was observed in the ICSL laboratory as part of a predisposition screen in an ostensibly healthy population. It had not been previously curated by ICSL or reported in the Human Gene Mutation Database (HGMD: prior to June 1st, 2018), and was therefore a candidate for classification through an automated scoring system. Utilizing variant allele frequency, disease prevalence and penetrance estimates, and inheritance mode, an automated score was calculated to assess if this variant is too frequent to cause the disease. Based on the score and internal cut-off values, a variant classified as benign is not then subjected to further curation. The score for this variant resulted in a classification of benign for this disease.

Genetic Services Laboratory, University of Chicago
Classification: Benign. Last evaluated: 2013-03-04. Review status: criteria provided, single submitter. Criteria: ACMG Guidelines, 2007. Collection method: clinical testing. Allele origin: germline. Inheritance: Autosomal recessive inheritance.

PreventionGenetics, part of Exact Sciences
Classification: Benign for CEP152-related condition. Last evaluated: 2023-03-29. Review status: no assertion criteria provided. Collection method: clinical testing. Allele origin: germline. Not counted in ClinVar's aggregate classification.
Comment: This variant is classified as benign based on ACMG/AMP sequence variant interpretation guidelines (Richards et al. 2015 PMID: 25741868, with internal and published modifications).